The following is an entry in ClinVar:

ClinVar aggregate classification (germline): Uncertain significance (1 of 4 stars; one submission).

Conditions:
Catecholaminergic polymorphic ventricular tachycardia 1. Also called: RYR2-Related Catecholaminergic Polymorphic Ventricular Tachycardia; VENTRICULAR TACHYCARDIA, CATECHOLAMINERGIC POLYMORPHIC, 1, WITH OR WITHOUT ATRIAL DYSFUNCTION AND/OR DILATED CARDIOMYOPATHY; VENTRICULAR TACHYCARDIA, STRESS-INDUCED POLYMORPHIC 1. Identifiers: Orphanet 3286, MedGen C1631597, MONDO:0011484, OMIM 604772.

Allele frequency attached by ClinVar (database versions not stated): gnomAD exomes below 0.00001; ExAC 0.00001.
gnomAD v4.1: 6 of 1,612,044 alleles (0.00037%); highest among the groups gnomAD compares: South Asian, 0.0044%; no homozygotes.

Submission:

Labcorp Genetics (formerly Invitae), Labcorp
Classification: Uncertain significance for Catecholaminergic polymorphic ventricular tachycardia 1. Last evaluated: 2020-10-06. Review status: criteria provided, single submitter. Criteria: Invitae Variant Classification Sherloc (09022015). Collection method: clinical testing. Allele origin: germline.
Comment: This sequence change falls in intron 101 of the RYR2 gene. It does not directly change the encoded amino acid sequence of the RYR2 protein, but it affects a nucleotide within the consensus splice site of the intron. This variant is present in population databases (rs756787746, ExAC 0.006%). This variant has not been reported in the literature in individuals with RYR2-related conditions. Nucleotide substitutions within the consensus splice site are a relatively common cause of aberrant splicing (PMID: 17576681, 9536098). Algorithms developed to predict the effect of sequence changes on RNA splicing suggest that this variant is not likely to affect RNA splicing, but this prediction has not been confirmed by published transcriptional studies. In summary, the available evidence is currently insufficient to determine the role of this variant in disease. Therefore, it has been classified as a Variant of Uncertain Significance.

Literature cited by the submitters: PubMed 17576681; PubMed 9536098.

NM_001035.3(RYR2):c.14590+3A>G

Gene: RYR2 (ryanodine receptor 2; plus strand). Cytogenetic location: 1q43.
Variant type: single nucleotide variant.
Coding change: c.14590+3A>G on transcript NM_001035.3 (MANE Select); 3 bases into the intron after coding-DNA position 14590, A replaced by G.
Molecular consequence: intron variant.
Genome position (GRCh38, 1-based): chr1:237,819,195, A>G. VCF-style: chr1-237819195-A-G. GRCh37 (hg19) VCF-style: chr1-237982495-A-G.
Identifiers: ClinVar variation 1023038 (VCV001023038.8), dbSNP rs756787746, ClinGen allele CA085678.